The following is an entry in ClinVar:

ClinVar aggregate classification (germline): Uncertain significance (1 of 4 stars; one submission).

Submission:

Ambry Genetics
Classification: Uncertain significance. Last evaluated: 2023-11-29. Review status: criteria provided, single submitter. Criteria: Ambry Variant Classification Scheme 2023. Collection method: clinical testing. Allele origin: germline.
Comment: The c.996+3_996+7delGTGTT intronic variant, located in intron 7 of the RINT1 gene, results from a deletion of 5 nucleotides within intron 7 of the RINT1 gene. This nucleotide region is conserved through primates. The evidence for this gene-disease relationship is limited; therefore, the clinical significance of this alteration is unclear.

NM_021930.6(RINT1):c.996+3_996+7del

Gene: RINT1 (RAD50 interactor 1; plus strand). Cytogenetic location: 7q22.3.
Variant type: Deletion.
Coding change: c.996+3_996+7del on transcript NM_021930.6 (MANE Select); bases 3 to 7 of the intron after coding-DNA position 996, 5 bases deleted (GTGTT; older notation c.996+3_996+7delGTGTT).
Molecular consequence: splice donor variant. On other transcripts: intron variant (1).
Genome position (GRCh38, 1-based): chr7:105,548,713-105,548,717, GTGTT deleted; deleting any 5 consecutive bases within chr7:105,548,712-105,548,717 gives the same sequence; the c. name uses the placement nearest the transcript's 3' end. VCF-style (leftmost placement, unchanged base first): chr7-105548711-GTGTGT-G. GRCh37 (hg19) VCF-style: chr7-105189158-GTGTGT-G.
Other names: c.-24+3_-24+7del (NM_001346600.2); c.72+3_72+7del (NM_001346601.2); c.-27-1342_-27-1338del (NM_001346603.2); c.762+3_762+7del (NM_001346599.2).
Identifiers: ClinVar variation 3227679 (VCV003227679.1), dbSNP rs2485128256, ClinGen allele CA2825001503.